The following is an entry in ClinVar:

ClinVar aggregate classification (germline): Uncertain significance (1 of 4 stars; one submission).

Submission:

Labcorp Genetics (formerly Invitae), Labcorp
Classification: Uncertain significance. Last evaluated: 2025-09-15. Review status: criteria provided, single submitter. Criteria: Invitae Variant Classification Sherloc (09022015). Collection method: clinical testing. Allele origin: germline.
Comment: This sequence change replaces serine, which is neutral and polar, with alanine, which is neutral and non-polar, at codon 228 of the ADAMTS18 protein (p.Ser228Ala). This variant is not present in population databases (gnomAD no frequency). This variant has not been reported in the literature in individuals affected with ADAMTS18-related conditions. ClinVar contains an entry for this variant (Variation ID: 2015568). An algorithm developed to predict the effect of missense changes on protein structure and function (PolyPhen-2) suggests that this variant is likely to be tolerated. In summary, the available evidence is currently insufficient to determine the role of this variant in disease. Therefore, it has been classified as a Variant of Uncertain Significance.

NM_199355.4(ADAMTS18):c.682T>G (p.Ser228Ala)

Gene: ADAMTS18 (ADAM metallopeptidase with thrombospondin type 1 motif 18; minus strand). Cytogenetic location: 16q23.1.
Variant type: single nucleotide variant.
Coding change: c.682T>G on transcript NM_199355.4 (MANE Select); coding-DNA position 682, T replaced by G.
Protein change: p.Ser228Ala; replaces serine 228 with alanine.
Molecular consequence: missense variant. On other transcripts: synonymous variant (1).
Genome position (GRCh38, 1-based): chr16:77,367,537, A>C on the plus strand (T>G on the coding strand, the complement: ADAMTS18 is on the minus strand). VCF-style: chr16-77367537-A-C. GRCh37 (hg19) VCF-style: chr16-77401434-A-C.
Other names: c.162T>G, p.Thr54= (NM_001326358.2); short protein forms S228A.
Identifiers: ClinVar variation 2015568 (VCV002015568.4), dbSNP rs2543756743, ClinGen allele CA396824064.